The following is an entry in ClinVar:

ClinVar aggregate classification (germline): Uncertain significance (1 of 4 stars; one submission).

Conditions:
Symmetrical dyschromatosis of extremities (DSH). Also called: RETICULATE ACROPIGMENTATION OF DOHI; SYMMETRIC DYSCHROMATOSIS OF THE EXTREMITIES; DYSCHROMATOSIS SYMMETRICA HEREDITARIA 1; Dyschromatosis symmetrica hereditaria. Identifiers: Orphanet 41, MedGen C0406775, MONDO:0007483, OMIM 127400.
Aicardi-Goutieres syndrome 6 (AGS6). Identifiers: Orphanet 51, MedGen C3539013, MONDO:0014007, OMIM 615010.

Submission:

Labcorp Genetics (formerly Invitae), Labcorp
Classification: Uncertain significance for Aicardi-Goutieres syndrome 6; Symmetrical dyschromatosis of extremities. Last evaluated: 2026-01-11. Review status: criteria provided, single submitter. Criteria: Invitae Variant Classification Sherloc (09022015). Collection method: clinical testing. Allele origin: germline.
Comment: This sequence change replaces aspartic acid, which is acidic and polar, with asparagine, which is neutral and polar, at codon 224 of the ADAR protein (p.Asp224Asn). This variant is not present in population databases (gnomAD no frequency). This variant has not been reported in the literature in individuals affected with ADAR-related conditions. ClinVar contains an entry for this variant (Variation ID: 2938427). Experimental studies and prediction algorithms are not available or were not evaluated, and the functional significance of this variant is currently unknown. In summary, the available evidence is currently insufficient to determine the role of this variant in disease. Therefore, it has been classified as a Variant of Uncertain Significance.

NM_001111.5(ADAR):c.670G>A (p.Asp224Asn)

Gene: ADAR (adenosine deaminase RNA specific; minus strand). Cytogenetic location: 1q21.3.
Variant type: single nucleotide variant.
Coding change: c.670G>A on transcript NM_001111.5 (MANE Select); coding-DNA position 670, G replaced by A.
Protein change: p.Asp224Asn; replaces aspartic acid 224 with asparagine.
Molecular consequence: missense variant. On other transcripts: 5 prime UTR variant (6).
Genome position (GRCh38, 1-based): chr1:154,601,972, C>T on the plus strand (G>A on the coding strand, the complement: ADAR is on the minus strand). VCF-style: chr1-154601972-C-T. GRCh37 (hg19) VCF-style: chr1-154574448-C-T.
Other names: c.-216G>A (NM_001025107.3, NM_001193495.2, NM_001365046.1 and 3 more transcripts); c.697G>A, p.Asp233Asn (NM_001365045.1); c.670G>A, p.Asp224Asn (NM_015840.4, NM_015841.4); short protein forms D224N, D233N.
Identifiers: ClinVar variation 2938427 (VCV002938427.3), dbSNP rs2526661348, ClinGen allele CA342600507.